The following is an entry in ClinVar:

NM_006361.6(HOXB13):c.306G>A (p.Gln102=)

Gene: HOXB13 (homeobox B13; minus strand). Cytogenetic location: 17q21.32.
Variant type: single nucleotide variant.
Coding change: c.306G>A on transcript NM_006361.6 (MANE Select); coding-DNA position 306, G replaced by A.
Protein change: p.Gln102=; no amino-acid change (glutamine 102 retained).
Molecular consequence: synonymous variant.
Genome position (GRCh38, 1-based): chr17:48,728,288, C>T on the plus strand (G>A on the coding strand, the complement: HOXB13 is on the minus strand). VCF-style: chr17-48728288-C-T. GRCh37 (hg19) VCF-style: chr17-46805650-C-T.
Other names: c.306G>A (NM_006361.5).
Identifiers: ClinVar variation 1535481 (VCV001535481.10), dbSNP rs2143072999, ClinGen allele CA500661944.

ClinVar aggregate classification (germline): Benign/Likely benign. Review status: criteria provided, multiple submitters, no conflicts (2 of 4 stars). 3 submissions from 3 submitters: Benign (1); Likely benign (2). Last evaluated 2024-10-29.

Conditions:
Prostate cancer, hereditary, 9 (HPC9). Identifiers: Orphanet 1331, MedGen C1970250, MONDO:0012597, OMIM 610997.
Hereditary cancer-predisposing syndrome. Also called: Hereditary Cancer Syndrome; Neoplastic Syndromes, Hereditary; Tumor predisposition; Hereditary neoplastic syndrome. Identifiers: Orphanet 140162, MedGen C0027672, MeSH D009386, MONDO:0015356.

Submissions (3):

Myriad Genetics, Inc.
Classification: Benign for Prostate cancer, hereditary, 9. Last evaluated: 2024-10-29. Review status: criteria provided, single submitter. Criteria: Myriad Autosomal Dominant, Autosomal Recessive and X-Linked Classification Criteria (2023). Collection method: clinical testing. Allele origin: unknown.
Comment: This variant is considered benign. This variant is a silent/synonymous amino acid change and it is not expected to impact splicing.

Ambry Genetics
Classification: Likely benign for Hereditary cancer-predisposing syndrome. Last evaluated: 2024-09-01. Review status: criteria provided, single submitter. Criteria: Ambry Variant Classification Scheme 2023. Collection method: clinical testing. Allele origin: germline.

Labcorp Genetics (formerly Invitae), Labcorp
Classification: Likely benign. Last evaluated: 2021-12-08. Review status: criteria provided, single submitter. Criteria: Invitae Variant Classification Sherloc (09022015). Collection method: clinical testing. Allele origin: germline.